The following is an entry in ClinVar:

ClinVar aggregate classification (germline): Pathogenic. Review status: criteria provided, multiple submitters, no conflicts (2 of 4 stars). 11 submissions from 11 submitters: Pathogenic (8). 3 of the submissions do not count toward it. Last evaluated 2026-01-13.

Conditions:
ALMS1-related disorder. Also called: ALMS1-related condition.
Cardiovascular phenotype. Identifiers: MedGen CN230736.
Alstrom syndrome (ALMS). Identifiers: Orphanet 64, MedGen C0268425, MONDO:0008763, OMIM 203800.
Retinal dystrophy, early-onset severe. Identifiers: MedGen C1858080.

Allele frequency attached by ClinVar (database versions not stated): gnomAD exomes below 0.00001; gnomAD 0.00001; TOPMed 0.00001; ExAC 0.00002.
gnomAD v4.1: 23 of 1,613,928 alleles (0.0014%); highest among the groups gnomAD compares: Middle Eastern, 0.016%; no homozygotes.

Submissions (11):

Labcorp Genetics (formerly Invitae), Labcorp
Classification: Pathogenic for Alstrom syndrome. Last evaluated: 2026-01-13. Review status: criteria provided, single submitter. Criteria: Invitae Variant Classification Sherloc (09022015). Collection method: clinical testing. Allele origin: germline.
Comment: This sequence change creates a premature translational stop signal (p.Tyr1715*) in the ALMS1 gene. It is expected to result in an absent or disrupted protein product. Loss-of-function variants in ALMS1 are known to be pathogenic (PMID: 17594715). This variant is present in population databases (rs772136379, gnomAD 0.004%). This premature translational stop signal has been observed in individuals with ALMS1-related conditions (PMID: 22876109, 25846608, 28432734). ClinVar contains an entry for this variant (Variation ID: 212728). For these reasons, this variant has been classified as Pathogenic.

GeneDx
Classification: Pathogenic. Last evaluated: 2025-12-16. Review status: criteria provided, single submitter. Criteria: GeneDx Variant Classification Process June 2021. Collection method: clinical testing. Allele origin: germline. Affected: yes.
Comment: Observed with a second variant on the opposite allele (in trans) in a patient with a clinical diagnosis of Alstrom syndrome (PMID: 22876109); Not observed at significant frequency in large population cohorts (gnomAD); Nonsense variant predicted to result in protein truncation or nonsense mediated decay in a gene for which loss of function is a known mechanism of disease; This variant is associated with the following publications: (PMID: 32870709, 22876109, 32531858, 39264219, 28112973, 26704672, 28432734, 29718281)

Natera, Inc.
Classification: Pathogenic for Alstrom syndrome. Last evaluated: 2025-05-05. Review status: criteria provided, single submitter. Criteria: Natera Variant Classification Schema (03/2026). Collection method: clinical testing. Allele origin: germline.
Comment: The c.5145T>G variant in ALMS1 is a nonsense variant predicted to introduce a stop codon at amino acid 1715. This variant is expected to result in nonsense mediated decay, truncation, or a dysfunctional protein product. This variant is rare in the general population with a frequency below the threshold expected for the associated phenotype(s). This variant has been observed in one or more individuals affected with the associated recessive disease, as either homozygous or compound heterozygous with a second variant (PMID: 22876109, 30064963). Given the available evidence, this variant is classified as Pathogenic.

Ambry Genetics
Classification: Pathogenic for Cardiovascular phenotype. Last evaluated: 2024-09-19. Review status: criteria provided, single submitter. Criteria: Ambry Variant Classification Scheme 2023. Collection method: clinical testing. Allele origin: germline.
Comment: The p.Y1715* pathogenic mutation (also known as c.5145T>G), located in coding exon 8 of the ALMS1 gene, results from a T to G substitution at nucleotide position 5145. This changes the amino acid from a tyrosine to a stop codon within coding exon 8. This mutation has been reported to co-occur with other mutations in the ALMS1 gene in several individuals with Alstrom syndrome (Pi&ntilde;eiro-Gallego T et al. Mol Vis, 2012 Jul;18:1794-802; Citton V et al. J Neuroradiol, 2016 Jun;43:195-9; Astuti D et al. Hum Mutat, 2017 07;38:764-777; Dotan G et al. Ophthalmic Genet 2017 Jan;38:440-445; Han JC et al. J Clin Endocrinol Metab, 2018 07;103:2707-2719). In addition to the clinical data presented in the literature, this alteration is expected to result in loss of function by premature protein truncation or nonsense-mediated mRNA decay. As such, this alteration is interpreted as a disease-causing mutation.

Genomic Medicine Center of Excellence, King Faisal Specialist Hospital and Research Centre
Classification: Pathogenic for Alstrom syndrome. Last evaluated: 2024-04-04. Review status: criteria provided, single submitter. Criteria: ACMG Guidelines, 2015. Collection method: clinical testing. Allele origin: germline.

Fulgent Genetics
Classification: Pathogenic for Alstrom syndrome. Last evaluated: 2021-09-27. Review status: criteria provided, single submitter. Criteria: ACMG Guidelines, 2015. Collection method: clinical testing. Allele origin: unknown.

Blueprint Genetics
Classification: Pathogenic for ALMS1-related disorders. Last evaluated: 2019-02-19. Review status: criteria provided, single submitter. Criteria: ACMG Guidelines, 2015. Collection method: clinical testing. Allele origin: germline. Affected: yes. Observed: 2 variant alleles.

CeGaT Center for Human Genetics Tuebingen
Classification: Pathogenic. Last evaluated: 2016-12-01. Review status: criteria provided, single submitter. Criteria: CeGaT Center For Human Genetics Tuebingen Variant Classification Criteria Version 2. Collection method: clinical testing. Allele origin: germline. Affected: yes. Observed: 1 variant allele.

Counsyl
Classification: Pathogenic for Alstrom syndrome. Last evaluated: 2017-07-25. Review status: no assertion criteria provided. Collection method: clinical testing. Allele origin: unknown. Not counted in ClinVar's aggregate classification.

Knight Diagnostic Laboratories, Oregon Health and Sciences University
Classification: Likely pathogenic for Alstrom syndrome. Last evaluated: 2014-08-12. Review status: no assertion criteria provided. Criteria: ACMG Guidelines, 2007. Collection method: clinical testing. Allele origin: germline. Inheritance: Autosomal recessive inheritance. Affected: no. Not counted in ClinVar's aggregate classification.

Laboratory of Genetics in Ophthalmology, Institut Imagine
Classification: Pathogenic for Early-onset severe retinal dystrophy. Review status: no assertion criteria provided. Collection method: research. Allele origin: inherited. Affected: yes. Observed: 1 variant allele. Not counted in ClinVar's aggregate classification.

Literature cited by the submitters: PubMed 17594715 (cited by Labcorp Genetics (formerly Invitae), Labcorp); PubMed 22876109 (cited by 5 submitters); PubMed 25846608 (cited by Labcorp Genetics (formerly Invitae), Labcorp and Counsyl); PubMed 28432734 (cited by Labcorp Genetics (formerly Invitae), Labcorp and Ambry Genetics); PubMed 30064963 (cited by Natera, Inc.); PubMed 26704672 (cited by Ambry Genetics); PubMed 28112973 (cited by Ambry Genetics); PubMed 29718281 (cited by Ambry Genetics).

NM_001378454.1(ALMS1):c.5142T>G (p.Tyr1714Ter)

Gene: ALMS1 (ALMS1 centrosome and basal body associated protein; plus strand). Cytogenetic location: 2p13.1.
Variant type: single nucleotide variant.
Coding change: c.5142T>G on transcript NM_001378454.1 (MANE Select); coding-DNA position 5142, T replaced by G.
Protein change: p.Tyr1714Ter; replaces tyrosine 1714 with a stop codon.
Molecular consequence: nonsense.
Genome position (GRCh38, 1-based): chr2:73,451,669, T>G. VCF-style: chr2-73451669-T-G. GRCh37 (hg19) VCF-style: chr2-73678796-T-G.
Other names: c.5145T>G, p.Tyr1715Ter (NM_015120.4); short protein forms Y1715*, Y1714*.
Identifiers: ClinVar variation 212728 (VCV000212728.66), dbSNP rs772136379, ClinGen allele CA276964.